The following is an entry in ClinVar:

NM_003036.4(SKI):c.1211+10C>T

Gene: SKI (SKI proto-oncogene; plus strand). Cytogenetic location: 1p36.32.
Variant type: single nucleotide variant.
Coding change: c.1211+10C>T on transcript NM_003036.4 (MANE Select); 10 bases into the intron after coding-DNA position 1211, C replaced by T.
Molecular consequence: intron variant.
Genome position (GRCh38, 1-based): chr1:2,303,410, C>T. VCF-style: chr1-2303410-C-T. GRCh37 (hg19) VCF-style: chr1-2234849-C-T.
Identifiers: ClinVar variation 213669 (VCV000213669.13), dbSNP rs200242660, ClinGen allele CA324972.

ClinVar aggregate classification (germline): Benign/Likely benign. Review status: criteria provided, multiple submitters, no conflicts (2 of 4 stars). 5 submissions from 5 submitters: Benign (1); Likely benign (2). 2 of the submissions do not count toward it. Last evaluated 2025-08-17.

Conditions:
Shprintzen-Goldberg syndrome (SGS). Also called: SHPRINTZEN-GOLDBERG CRANIOSYNOSTOSIS SYNDROME; CRANIOSYNOSTOSIS WITH ARACHNODACTYLY AND ABDOMINAL HERNIAS; Marfanoid disorder with craniosynostosis type 1; Marfanoid craniosynostosis syndrome; Shprintzen-Goldberg marfanoid syndrome. Identifiers: Orphanet 2462, MedGen C1321551, MONDO:0008426, OMIM 182212.

Allele frequency attached by ClinVar (database versions not stated): gnomAD 0.00005 and 0.00006; gnomAD exomes 0.00006; ExAC 0.00008; TOPMed 0.00012.
gnomAD v4.1: 95 of 1,598,022 alleles (0.0059%); highest among the groups gnomAD compares: Middle Eastern, 0.17%; no homozygotes.

Submissions (5):

Labcorp Genetics (formerly Invitae), Labcorp
Classification: Likely benign for Shprintzen-Goldberg syndrome. Last evaluated: 2025-08-17. Review status: criteria provided, single submitter. Criteria: Invitae Variant Classification Sherloc (09022015). Collection method: clinical testing. Allele origin: germline.

Blueprint Genetics
Classification: Likely benign. Last evaluated: 2023-09-22. Review status: criteria provided, single submitter. Criteria: ACMG Guidelines, 2015. Collection method: clinical testing. Allele origin: germline.

GeneDx
Classification: Benign. Last evaluated: 2015-02-04. Review status: criteria provided, single submitter. Criteria: GeneDx Variant Classification (06012015). Collection method: clinical testing. Allele origin: germline. Affected: yes.
Comment: This variant is considered likely benign or benign based on one or more of the following criteria: it is a conservative change, it occurs at a poorly conserved position in the protein, it is predicted to be benign by multiple in silico algorithms, and/or has population frequency not consistent with disease.

Clinical Genetics DNA and cytogenetics Diagnostics Lab, Erasmus MC, Erasmus Medical Center
Classification: Likely benign. Review status: no assertion criteria provided. Collection method: clinical testing. Allele origin: germline. Affected: yes. Study: VKGL Data-share Consensus. Not counted in ClinVar's aggregate classification.

Genome Diagnostics Laboratory, Amsterdam University Medical Center
Classification: Likely benign. Review status: no assertion criteria provided. Collection method: clinical testing. Allele origin: germline. Affected: yes. Study: VKGL Data-share Consensus. Not counted in ClinVar's aggregate classification.